The following is an entry in ClinVar:

NM_006662.3(SRCAP):c.6070A>G (p.Ile2024Val)

Gene: SRCAP (Snf2 related CREBBP activator protein; plus strand). Cytogenetic location: 16p11.2.
Variant type: single nucleotide variant.
Coding change: c.6070A>G on transcript NM_006662.3 (MANE Select); coding-DNA position 6070, A replaced by G.
Protein change: p.Ile2024Val; replaces isoleucine 2024 with valine.
Molecular consequence: missense variant.
Genome position (GRCh38, 1-based): chr16:30,729,515, A>G. VCF-style: chr16-30729515-A-G. GRCh37 (hg19) VCF-style: chr16-30740836-A-G.
Other names: c.6070A>G (NM_006662.2); short protein forms I2024V.
Identifiers: ClinVar variation 3006212 (VCV003006212.4), dbSNP rs750933379, ClinGen allele CA8012138.

ClinVar aggregate classification (germline): Uncertain significance. Review status: criteria provided, multiple submitters, no conflicts (2 of 4 stars). 2 submissions from 2 submitters: Uncertain significance (2). Last evaluated 2025-09-26.

Conditions:
Inborn genetic diseases. Identifiers: MedGen C0950123, MeSH D030342.

Allele frequency attached by ClinVar (database versions not stated): gnomAD exomes below 0.00001; TOPMed below 0.00001; gnomAD 0.00001; ExAC 0.00002.
gnomAD v4.1: 4 of 1,613,992 alleles (0.00025%); highest among the groups gnomAD compares: Admixed American, 0.005%; no homozygotes.

Submissions (2):

Ambry Genetics
Classification: Uncertain significance for Inborn genetic diseases. Last evaluated: 2025-09-26. Review status: criteria provided, single submitter. Criteria: Ambry Variant Classification Scheme 2023. Collection method: clinical testing. Allele origin: germline.

Labcorp Genetics (formerly Invitae), Labcorp
Classification: Uncertain significance. Last evaluated: 2023-01-31. Review status: criteria provided, single submitter. Criteria: Invitae Variant Classification Sherloc (09022015). Collection method: clinical testing. Allele origin: germline.
Comment: In summary, the available evidence is currently insufficient to determine the role of this variant in disease. Therefore, it has been classified as a Variant of Uncertain Significance. Advanced modeling of protein sequence and biophysical properties (such as structural, functional, and spatial information, amino acid conservation, physicochemical variation, residue mobility, and thermodynamic stability) performed at Invitae indicates that this missense variant is not expected to disrupt SRCAP protein function. This variant has not been reported in the literature in individuals affected with SRCAP-related conditions. This variant is present in population databases (rs750933379, gnomAD 0.009%). This sequence change replaces isoleucine, which is neutral and non-polar, with valine, which is neutral and non-polar, at codon 2024 of the SRCAP protein (p.Ile2024Val).